The following is an entry in ClinVar:

NM_001127208.3(TET2):c.1405G>A (p.Val469Ile)

Genes: TET2 (tet methylcytosine dioxygenase 2; plus strand), TET2-AS1 (TET2 antisense RNA 1; minus strand). Cytogenetic location: 4q24.
Variant type: single nucleotide variant.
Coding change: c.1405G>A on transcript NM_001127208.3 (MANE Select); coding-DNA position 1405, G replaced by A.
Protein change: p.Val469Ile; replaces valine 469 with isoleucine.
Molecular consequence: missense variant.
Genome position (GRCh38, 1-based): chr4:105,235,347, G>A. VCF-style: chr4-105235347-G-A. GRCh37 (hg19) VCF-style: chr4-106156504-G-A.
Other names: c.1405G>A, p.Val469Ile (NM_017628.4); short protein forms V469I.
Identifiers: ClinVar variation 3455381 (VCV003455381.1).

ClinVar aggregate classification (germline): Uncertain significance (1 of 4 stars; one submission).

gnomAD v4.1: 1 of 1,614,126 alleles (0.000062%); highest among the groups gnomAD compares: Non-Finnish European, 0.000085%; no homozygotes.

Submission:

Ambry Genetics
Classification: Uncertain significance. Last evaluated: 2024-12-07. Review status: criteria provided, single submitter. Criteria: Ambry Variant Classification Scheme 2023. Collection method: clinical testing. Allele origin: germline.
Comment: The p.V469I variant (also known as c.1405G>A), located in coding exon 1 of the TET2 gene, results from a G to A substitution at nucleotide position 1405. The valine at codon 469 is replaced by isoleucine, an amino acid with highly similar properties. This amino acid position is conserved. In addition, this alteration is predicted to be tolerated by in silico analysis. Based on the available evidence, the clinical significance of this variant remains unclear.